The following is an entry in ClinVar:

NM_006766.5(KAT6A):c.3316G>A (p.Asp1106Asn)

Gene: KAT6A (lysine acetyltransferase 6A; minus strand). Cytogenetic location: 8p11.21.
Variant type: single nucleotide variant.
Coding change: c.3316G>A on transcript NM_006766.5 (MANE Select); coding-DNA position 3316, G replaced by A.
Protein change: p.Asp1106Asn; replaces aspartic acid 1106 with asparagine.
Molecular consequence: missense variant.
Genome position (GRCh38, 1-based): chr8:41,937,292, C>T on the plus strand (G>A on the coding strand, the complement: KAT6A is on the minus strand). VCF-style: chr8-41937292-C-T. GRCh37 (hg19) VCF-style: chr8-41794810-C-T.
Other names: c.3316G>A (NM_006766.3); short protein forms D1106N.
Identifiers: ClinVar variation 2143581 (VCV002143581.7), dbSNP rs546174187, ClinGen allele CA4729720.
Genomic context (GRCh38, chr8:41,937,292, plus strand): 5'-GTAAGTGAGTTCTGTAAAACATACCATCAGCATCATCTGACTCTTCATCTTCTTCTTCAT[C>T]TTTAGACTTCCTCTTAGAAGAGGACTGACACCTGAGTACATCCTGCGAAGACAAACGACG-3'
Protein context (NP_006757.2, residues 1096-1116): CQSSSKRKSK[Asp1106Asn]EEEDEESDDA

ClinVar aggregate classification (germline): Conflicting classifications of pathogenicity. Review status: criteria provided, conflicting classifications (1 of 4 stars). 3 submissions from 3 submitters: Uncertain significance (2); Benign (1). Last evaluated 2025-11-28.

Conditions:
Autosomal dominant intellectual disability-craniofacial anomalies-cardiac defects syndrome (ARTHS). Also called: Arboleda-Tham syndrome; Mental retardation, autosomal dominant 32; KAT6A syndrome. Identifiers: Orphanet 457193, MedGen C4225396, MONDO:0014558, OMIM 616268.
Inborn genetic diseases. Identifiers: MedGen C0950123, MeSH D030342.

Allele frequency attached by ClinVar (database versions not stated): ExAC 0.00001; gnomAD exomes 0.00001; gnomAD 0.00003; TOPMed 0.00003; 1000 Genomes Project 30x 0.00016; 1000 Genomes Project 0.00020.
gnomAD v4.1: 15 of 1,613,998 alleles (0.00093%); highest among the groups gnomAD compares: Admixed American, 0.018%; no homozygotes.

Submissions (3):

Labcorp Genetics (formerly Invitae), Labcorp
Classification: Benign. Last evaluated: 2025-11-28. Review status: criteria provided, single submitter. Criteria: Invitae Variant Classification Sherloc (09022015). Collection method: clinical testing. Allele origin: germline.

Servicio de Genética Del Instituto Nacional de Salud Del Niño, Ministerio de Salud
Classification: Uncertain significance for Autosomal dominant intellectual disability-craniofacial anomalies-cardiac defects syndrome. Last evaluated: 2024-11-18. Review status: criteria provided, single submitter. Criteria: ACMG Guidelines, 2015. Collection method: clinical testing. Allele origin: germline. Inheritance: Autosomal dominant inheritance.
Comment: The variant NM_006766.5:c.3316G>A, p.Asp1106Asn results in the substitution of aspartic acid with asparagine at position 1106 in the protein. Aspartic acid is a negatively charged amino acid, and the substitution with asparagine, which is neutral, could potentially impact the protein's function or stability. According to ACMG/AMP guidelines, with evidence from PM2 and BP4, this variant is classified as uncertain significance.

Ambry Genetics
Classification: Uncertain significance for Inborn genetic diseases. Last evaluated: 2024-02-06. Review status: criteria provided, single submitter. Criteria: Ambry Variant Classification Scheme 2023. Collection method: clinical testing. Allele origin: germline.